The following is an entry in ClinVar:

NM_001267550.2(TTN):c.73044_73047dup (p.Asp24350delinsLeuTer)

Genes: TTN-AS1 (TTN antisense RNA 1; plus strand), TTN (titin; minus strand). Cytogenetic location: 2q31.2.
Variant type: Microsatellite.
Coding change: c.73044_73047dup on transcript NM_001267550.2 (MANE Select); coding-DNA positions 73044 to 73047, 4 bases duplicated (CTAT; older notation c.73044_73047dupCTAT).
Protein change: p.Asp24350delinsLeuTer.
Molecular consequence: nonsense.
Genome position (GRCh38, 1-based): chr2:178,573,085-178,573,088, ATAG duplicated on the plus strand (CTAT on the coding strand, the reverse complement: TTN is on the minus strand); duplicating any 4 consecutive bases within chr2:178,573,085-178,573,092 gives the same sequence; the c. name uses the placement nearest the transcript's 3' end. VCF-style (leftmost placement, unchanged base first): chr2-178573084-C-CATAG. GRCh37 (hg19) VCF-style: chr2-179437811-C-CATAG.
Other names: c.68121_68124dup, p.Asp22709delinsLeuTer (NM_001256850.1); c.45849_45852dup, p.Asp15285delinsLeuTer (NM_003319.4); c.65340_65343dup, p.Asp21782delinsLeuTer (NM_133378.4); c.46224_46227dup, p.Asp15410delinsLeuTer (NM_133432.3); c.46425_46428dup, p.Asp15477delinsLeuTer (NM_133437.4).
Identifiers: ClinVar variation 2091583 (VCV002091583.5), dbSNP rs2468568066, ClinGen allele CA2580614459.

ClinVar aggregate classification (germline): Likely pathogenic. Review status: criteria provided, multiple submitters, no conflicts (2 of 4 stars). 2 submissions from 2 submitters: Likely pathogenic (2). Last evaluated 2024-02-07.

Conditions:
Autosomal recessive limb-girdle muscular dystrophy type 2J (LGMDR10). Also called: Limb-girdle muscular dystrophy, type 2J; MUSCULAR DYSTROPHY, LIMB-GIRDLE, AUTOSOMAL RECESSIVE 10. Identifiers: Orphanet 140922, MedGen C1837342, MONDO:0012127, OMIM 608807.
Dilated cardiomyopathy 1G (CMD1G). Identifiers: Orphanet 154, MedGen C1858763, MONDO:0011400, OMIM 604145.

Submissions (2):

Revvity Omics, Revvity
Classification: Likely pathogenic. Last evaluated: 2024-02-07. Review status: criteria provided, single submitter. Criteria: ACMG Guidelines, 2015. Collection method: clinical testing. Allele origin: germline.

Labcorp Genetics (formerly Invitae), Labcorp
Classification: Likely pathogenic for Dilated cardiomyopathy 1G; Autosomal recessive limb-girdle muscular dystrophy type 2J. Last evaluated: 2022-02-01. Review status: criteria provided, single submitter. Criteria: Invitae Variant Classification Sherloc (09022015). Collection method: clinical testing. Allele origin: germline.
Comment: In summary, the currently available evidence indicates that the variant is pathogenic, but additional data are needed to prove that conclusively. Therefore, this variant has been classified as Likely Pathogenic. This variant is located in the A band of TTN (PMID: 25589632). Variants in this region may be relevant for cardiac or neuromuscular disorders (PMID: 25589632, 23975875). This variant has not been reported in the literature in individuals affected with TTN-related conditions. This variant is not present in population databases (gnomAD no frequency). This sequence change creates a premature translational stop signal (p.Asp24350Leufs*2) in the TTN gene. While this is not anticipated to result in nonsense mediated decay, it is expected to create a truncated TTN protein.

Literature cited by the submitters: PubMed 25589632 (cited by Labcorp Genetics (formerly Invitae), Labcorp); PubMed 23975875 (cited by Labcorp Genetics (formerly Invitae), Labcorp).